The following is an entry in ClinVar:

NM_001408.3(CELSR2):c.1792G>A (p.Val598Met)

Gene: CELSR2 (cadherin EGF LAG seven-pass G-type receptor 2; plus strand). Cytogenetic location: 1p13.3.
Variant type: single nucleotide variant.
Coding change: c.1792G>A on transcript NM_001408.3 (MANE Select); coding-DNA position 1792, G replaced by A.
Protein change: p.Val598Met; replaces valine 598 with methionine.
Molecular consequence: missense variant.
Genome position (GRCh38, 1-based): chr1:109,251,871, G>A. VCF-style: chr1-109251871-G-A. GRCh37 (hg19) VCF-style: chr1-109794493-G-A.
Other names: short protein forms V598M.
Identifiers: ClinVar variation 3049925 (VCV003049925.2), dbSNP rs117684956, ClinGen allele CA986636.

ClinVar aggregate classification (germline): Benign (0 of 4 stars; one submission).

Conditions:
CELSR2-related disorder. Also called: CELSR2-related condition.

Allele frequency attached by ClinVar (database versions not stated): ESP Exome Variant Server 0.00015; gnomAD 0.00059; TOPMed 0.00071; ExAC 0.00115; 1000 Genomes Project 30x 0.00219; 1000 Genomes Project 0.00260.
gnomAD v4.1: 814 of 1,614,106 alleles (0.05%); highest among the groups gnomAD compares: East Asian, 1.3%; 8 homozygotes.

Submission:

PreventionGenetics, part of Exact Sciences
Classification: Benign for CELSR2-related condition. Last evaluated: 2019-07-13. Review status: no assertion criteria provided. Collection method: clinical testing. Allele origin: germline.
Comment: This variant is classified as benign based on ACMG/AMP sequence variant interpretation guidelines (Richards et al. 2015 PMID: 25741868, with internal and published modifications).